The following is an entry in ClinVar:

ClinVar aggregate classification (germline): Pathogenic (1 of 4 stars; one submission).

Submission:

Quest Diagnostics Nichols Institute San Juan Capistrano
Classification: Pathogenic. Last evaluated: 2024-02-08. Review status: criteria provided, single submitter. Criteria: ACMG/ClinGen CNV Guidelines, 2019. Collection method: clinical testing. Allele origin: unknown.
Comment: This duplication involves the 17p13.3 microduplication syndrome class I region (Bi 2009, Crippa 2019, Curry 2013, Da Silva 2022, Vittas 2023). Copy number gains involving BHLHA9 have been described in individuals with split-hand/foot malformation with long bone deficiency-3 (OMIM 612576; Armour 2011, Duan 2022, Flottmann 2018, Ibitoye 2015, Klopocki 2012). Therefore, based on current medical literature, this CNV is interpreted as pathogenic. References: Armour et al., Eur J Hum Genet. 2011 Nov;19(11):1144-51. PMID: 21629300; Bi et al., Nat Genet. 2009 Feb;41(2):168-77. PMID: 19136950; Crippa et al., Front Genet. 2019 Oct 15;10:955. PMID: 31749829; Curry et al., Am J Med Genet A. 2013 Aug; 161A(8): 1833–1852. PMID: 23813913; Da Silva et al., Biomedicines. 2022 Nov 30;10(12):3078. PMID: 36551834; Duan et al., HGG Adv. 2022 Aug 4;3(4):100132. PMID: 36035248; Flottmann et al., Genet Med. 2018 Jun;20(6):599-607. PMID: 29236091; Ibitoye et al., Cleft Palate Craniofac J. 2015 May;52(3):359-62. PMID: 24625222; Klopocki et al., J Med Genet. 2012 Feb;49(2):119-25. PMID: 22147889; Vittas et al., Genes (Basel). 2023 Jun 24;14(7):1333. PMID: 37510238

GRCh37/hg19 17p13.3(chr17:908763-1516480)x3

Genes: ABR (ABR activator of RhoGEF and GTPase; minus strand), BHLHA9 (basic helix-loop-helix family member a9; plus strand), CRK (CRK proto-oncogene, adaptor protein; minus strand), INPP5K (inositol polyphosphate-5-phosphatase K; minus strand), MYO1C (myosin IC; minus strand) and 4 more. Cytogenetic location: 17p13.3.
Variant type: copy number gain.
Change: copy number 3 (three copies instead of two) of chr17:908,763-1,516,480 (607.7 kb, GRCh37 coordinates, 1-based), cytogenetic band 17p13.3.
Identifiers: ClinVar variation 3391858 (VCV003391858.1).